The following is an entry in ClinVar:

ClinVar aggregate classification (germline): Uncertain significance (1 of 4 stars; one submission).

Conditions:
Neuroblastoma, susceptibility to, 3. Also called: ALK-Related Neuroblastic Tumor Susceptibility. Identifiers: Orphanet 635, MedGen C2751681, MONDO:0013083, OMIM 613014.

Submission:

Labcorp Genetics (formerly Invitae), Labcorp
Classification: Uncertain significance for Neuroblastoma, susceptibility to, 3. Last evaluated: 2017-03-30. Review status: criteria provided, single submitter. Criteria: Invitae Variant Classification Sherloc (09022015). Collection method: clinical testing. Allele origin: germline.
Comment: This variant is a gross duplication of the genomic region encompassing exon 1 of the ALK gene. While the exact position of the duplicated exons cannot be determined from this data, the duplicated copy of this region is likely in tandem and may result in an absent or disrupted protein product. This variant has not been reported in the literature in individuals with a ALK-related disease. Experimental studies and prediction algorithms are not available for this variant, and its functional significance is currently unknown. In summary, the exact genomic location of this variant is unknown and the impact of this duplication on ALK protein function has not been established. Therefore, it has been classified as a Variant of Uncertain Significance.

NC_000002.11:g.(?_30142853)_(30143531_?)dup

Gene: ALK (ALK receptor tyrosine kinase; minus strand). Cytogenetic location: 2p23.1.
Variant type: Duplication.
Identifiers: ClinVar variation 470730 (VCV000470730.1).